The following is an entry in ClinVar:

ClinVar aggregate classification (germline): Benign/Likely benign. Review status: criteria provided, multiple submitters, no conflicts (2 of 4 stars). 3 submissions from 3 submitters: Benign (2); Likely benign (1). Last evaluated 2023-08-22.

Conditions:
Thyroid dyshormonogenesis 1. Also called: HYPOTHYROIDISM, CONGENITAL, DUE TO DYSHORMONOGENESIS, 1; IODINE ACCUMULATION, TRANSPORT, OR TRAPPING DEFECT; THYROID HORMONOGENESIS, GENETIC DEFECT IN, 1; Familial thyroid dyshormonogenesis 1. Identifiers: Orphanet 95716, MedGen C1848805, MONDO:0020716, OMIM 274400.

Allele frequency attached by ClinVar (database versions not stated): 1000 Genomes Project 0.01677; 1000 Genomes Project 30x 0.01718; TOPMed 0.01882; gnomAD exomes 0.00170; gnomAD 0.01822 and 0.01681.
gnomAD v4.1: 4,640 of 1,304,458 alleles (0.36%); highest among the groups gnomAD compares: African/African-American, 5.6%; 128 homozygotes.

Submissions (3):

Mendelics
Classification: Benign for Thyroid dyshormonogenesis 1. Last evaluated: 2023-08-22. Review status: criteria provided, single submitter. Criteria: Mendelics Assertion Criteria 2019. Collection method: clinical testing. Allele origin: germline.

GeneDx
Classification: Benign. Last evaluated: 2021-02-27. Review status: criteria provided, single submitter. Criteria: GeneDx Variant Classification Process June 2021. Collection method: clinical testing. Allele origin: germline. Affected: yes.
Comment: This variant is associated with the following publications: (PMID: 21565787)

Illumina Laboratory Services, Illumina
Classification: Likely benign for Thyroid dyshormonogenesis 1. Last evaluated: 2017-04-27. Review status: criteria provided, single submitter. Criteria: ICSL Variant Classification Criteria 13 December 2019. Collection method: clinical testing. Allele origin: germline.
Comment: This variant was observed as part of a predisposition screen in an ostensibly healthy population. A literature search was performed for the gene, cDNA change, and amino acid change (where applicable). Publications were found based on this search. The evidence from the literature, in combination with allele frequency data from public databases where available, was sufficient to determine this variant is unlikely to cause disease. Therefore, this variant is classified as likely benign.

Literature cited by the submitters: PubMed 21565787 (cited by Illumina Laboratory Services, Illumina).

NM_000453.3(SLC5A5):c.-54C>T

Gene: SLC5A5 (solute carrier family 5 member 5; plus strand). Cytogenetic location: 19p13.11.
Variant type: single nucleotide variant.
Coding change: c.-54C>T on transcript NM_000453.3 (MANE Select); 54 bases upstream of the start codon, C replaced by T.
Molecular consequence: 5 prime UTR variant.
Genome position (GRCh38, 1-based): chr19:17,872,266, C>T. VCF-style: chr19-17872266-C-T. GRCh37 (hg19) VCF-style: chr19-17983075-C-T.
Identifiers: ClinVar variation 803544 (VCV000803544.9), dbSNP rs112077649, ClinGen allele CA306173113.